The following is an entry in ClinVar:

NM_032888.4(COL27A1):c.4207-2del

Gene: COL27A1 (collagen type XXVII alpha 1 chain; plus strand). Cytogenetic location: 9q32.
Variant type: Deletion.
Coding change: c.4207-2del on transcript NM_032888.4 (MANE Select); the canonical splice acceptor site of the intron before coding-DNA position 4207, one base deleted (A; older notation c.4207-2delA).
Molecular consequence: splice acceptor variant.
Genome position (GRCh38, 1-based): chr9:114,290,056, A deleted. VCF-style (leftmost placement, unchanged base first): chr9-114290055-CA-C. GRCh37 (hg19) VCF-style: chr9-117052335-CA-C.
Identifiers: ClinVar variation 2743003 (VCV002743003.3), dbSNP rs2490277054, ClinGen allele CA2697558024.
Genomic context (GRCh38, chr9:114,290,055, plus strand): 5'-AGAGCCCCTAGGGTCCCACACCTCTACCAGGCAGCCTCCATCATGTGGCCCTTGATTTTT[CA>C]GGGACCAAAGGGAAAGCAAGGCAAGGCAGGGGCCCCAGGCCGGAGGGGGGTCCAGGTGAG-3'

ClinVar aggregate classification (germline): Likely pathogenic (1 of 4 stars; one submission).

Submission:

Labcorp Genetics (formerly Invitae), Labcorp
Classification: Likely pathogenic. Last evaluated: 2023-07-13. Review status: criteria provided, single submitter. Criteria: Invitae Variant Classification Sherloc (09022015). Collection method: clinical testing. Allele origin: germline.
Comment: This variant is not present in population databases (gnomAD no frequency). This variant has not been reported in the literature in individuals affected with COL27A1-related conditions. Algorithms developed to predict the effect of sequence changes on RNA splicing suggest that this variant may disrupt the consensus splice site. In summary, the currently available evidence indicates that the variant is pathogenic, but additional data are needed to prove that conclusively. Therefore, this variant has been classified as Likely Pathogenic. This sequence change affects a splice site in intron 45 of the COL27A1 gene. It is expected to disrupt RNA splicing. Variants that disrupt the donor or acceptor splice site typically lead to a loss of protein function (PMID: 16199547), and loss-of-function variants in COL27A1 are known to be pathogenic (PMID: 24986830, 28276056).

Literature cited by the submitters: PubMed 16199547; PubMed 24986830; PubMed 28276056.